The following is an entry in ClinVar:

ClinVar aggregate classification (germline): Conflicting classifications of pathogenicity. Review status: criteria provided, conflicting classifications (1 of 4 stars). 5 submissions from 5 submitters: Uncertain significance (4); Likely benign (1). Last evaluated 2026-04-16.

Conditions:
Ehlers-Danlos syndrome (EDS). Identifiers: Orphanet 98249, MedGen C0013720, MONDO:0020066.
TNXB-related disorder. Also called: TNXB-related condition.
Cardiovascular phenotype. Identifiers: MedGen CN230736.

Allele frequency attached by ClinVar (database versions not stated): gnomAD exomes 0.00001 and 0.00003; ExAC 0.00002; gnomAD 0.00002; TOPMed 0.00002; ESP Exome Variant Server 0.00013.

Submissions (5):

PreventionGenetics, part of Exact Sciences
Classification: Uncertain significance for TNXB-related condition. Last evaluated: 2026-04-16. Review status: criteria provided, single submitter. Criteria: ACMG Guidelines, 2015. Collection method: clinical testing. Allele origin: germline.
Comment: The TNXB c.4360G>A variant is predicted to result in the amino acid substitution p.Ala1454Thr. To our knowledge, this variant has not been reported in the literature. This variant is reported in 0.0052% of alleles in individuals of East Asian descent in gnomAD. At this time, the clinical significance of this variant is uncertain due to the absence of conclusive functional and genetic evidence.

Mayo Clinic Laboratories, Mayo Clinic
Classification: Uncertain significance. Last evaluated: 2025-08-15. Review status: criteria provided, single submitter. Criteria: ACMG Guidelines, 2015. Collection method: clinical testing. Allele origin: germline. Observed: 1 variant allele.
Comment: BP4_moderate

CeGaT Center for Human Genetics Tuebingen
Classification: Uncertain significance. Last evaluated: 2024-09-01. Review status: criteria provided, single submitter. Criteria: CeGaT Center For Human Genetics Tuebingen Variant Classification Criteria Version 2. Collection method: clinical testing. Allele origin: germline. Affected: yes. Observed: 1 variant allele.
Comment: TNXB: PM2, BP4

Ambry Genetics
Classification: Likely benign for Cardiovascular phenotype. Last evaluated: 2022-08-29. Review status: criteria provided, single submitter. Criteria: Ambry Variant Classification Scheme 2023. Collection method: clinical testing. Allele origin: germline.

Genome Diagnostics Laboratory, The Hospital for Sick Children
Classification: Uncertain significance for Ehlers-Danlos syndrome. Last evaluated: 2021-06-17. Review status: criteria provided, single submitter. Criteria: ACMG Guidelines, 2015. Collection method: clinical testing. Allele origin: germline.

NM_001365276.2(TNXB):c.4360G>A (p.Ala1454Thr)

Gene: TNXB (tenascin XB; minus strand). Cytogenetic location: 6p21.33.
Variant type: single nucleotide variant.
Coding change: c.4360G>A on transcript NM_001365276.2 (MANE Select); coding-DNA position 4360, G replaced by A.
Protein change: p.Ala1454Thr; replaces alanine 1454 with threonine.
Molecular consequence: missense variant.
Genome position (GRCh38, 1-based): chr6:32,079,048, C>T on the plus strand (G>A on the coding strand, the complement: TNXB is on the minus strand). VCF-style: chr6-32079048-C-T. GRCh37 (hg19) VCF-style: chr6-32046825-C-T.
Other names: p.Ala1454Thr; c.4360G>A, p.Ala1454Thr (NM_019105.8); short protein forms A1454T.
Identifiers: ClinVar variation 1702331 (VCV001702331.20), dbSNP rs374243353, ClinGen allele CA3734969.